The following is an entry in ClinVar:

ClinVar aggregate classification (germline): Likely pathogenic (1 of 4 stars; one submission).

Conditions:
Polycystic kidney disease, adult type (PKD1). Also called: POLYCYSTIC KIDNEY DISEASE 1 WITH OR WITHOUT POLYCYSTIC LIVER DISEASE; POLYCYSTIC KIDNEY DISEASE, ADULT, TYPE I; Polycystic Kidney Disease 1, Autosomal Dominant; Polycystic kidney disease 1; Polycystic kidney disease 1, severe; Polycystic Kidney, Autosomal Dominant. Identifiers: MedGen C3149841, MONDO:0008263, OMIM 173900.

gnomAD v4.1: 1 of 1,580,088 alleles (0.000063%); highest among the groups gnomAD compares: Non-Finnish European, 0.000086%; no homozygotes.

Submission:

Women's Health and Genetics/Laboratory Corporation of America, LabCorp
Classification: Likely pathogenic for Polycystic kidney disease, adult type. Last evaluated: 2026-06-02. Review status: criteria provided, single submitter. Criteria: LabCorp Variant Classification Summary - May 2015. Collection method: clinical testing. Allele origin: germline.
Comment: Variant summary: PKD1 c.10822-1G>A is located in a canonical splice-site and is predicted to affect mRNA splicing resulting in a significantly altered protein due to either exon skipping, shortening, or inclusion of intronic material. Variants that disrupt the consensus splice site are a relatively common cause of aberrant splicing and loss of PKD1 function. Several computational tools predict a significant impact on normal splicing: Four predict the variant abolishes a canonical 3' acceptor site. However, these predictions have yet to be confirmed by functional studies. The variant was absent in 188206 control chromosomes (gnomAD). c.10822-1G>A has been observed in at least one individual affected with PKD1-related conditions (example: Cristalli_2025). To our knowledge, no experimental evidence demonstrating an impact on protein function has been reported. The following publication has been ascertained in the context of this evaluation (PMID: 40428294). No submitters have cited clinical-significance assessments for this variant to ClinVar. Based on the evidence outlined above, the variant was classified as likely pathogenic.

Literature cited by the submitters: PubMed 40428294.

NM_001009944.3(PKD1):c.10822-1G>A

Genes: PKD1 (polycystin 1, transient receptor potential channel interacting; minus strand), PKD1-AS1 (PKD1 antisense RNA 1; plus strand). Cytogenetic location: 16p13.3.
Variant type: single nucleotide variant.
Coding change: c.10822-1G>A on transcript NM_001009944.3 (MANE Select); the canonical splice acceptor site of the intron before coding-DNA position 10822, G replaced by A.
Molecular consequence: splice acceptor variant.
Genome position (GRCh38, 1-based): chr16:2,093,739, C>T on the plus strand (G>A on the coding strand, the complement: PKD1 is on the minus strand). VCF-style: chr16-2093739-C-T. GRCh37 (hg19) VCF-style: chr16-2143740-C-T.
Other names: c.10819-1G>A (NM_000296.4).
Identifiers: ClinVar variation 4887585 (VCV004887585.1).
Genomic context (GRCh38, chr16:2,093,739, plus strand): 5'-ATCTTCATCCGGGTGCAGCCGCTTGGCCACCAGTGAGAAGTACAGGGCTTCCAGCAAGAC[C>T]TGGGGAGGGGGTGGCTTCAGAGGGGTCCCCCGTGATGGAGGCCTGTAGCCTACCCCTGGC-3'